The following is an entry in ClinVar:

ClinVar aggregate classification (germline): Conflicting classifications of pathogenicity. Review status: criteria provided, conflicting classifications (1 of 4 stars). 3 submissions from 3 submitters: Uncertain significance (1); Likely benign (1). 1 of the submissions does not count toward it. Last evaluated 2026-01-19.

Conditions:
ALOXE3-related disorder. Also called: ALOXE3-related condition.
Autosomal recessive congenital ichthyosis 3 (ARCI3). Also called: ICHTHYOSIS, LAMELLAR, 5. Identifiers: MedGen C3539888, MONDO:0011680, OMIM 606545.

Allele frequency attached by ClinVar (database versions not stated): gnomAD 0.00030 and 0.00031; TOPMed 0.00030; ExAC 0.00039; ESP Exome Variant Server 0.00054.
gnomAD v4.1: 418 of 1,613,976 alleles (0.026%); highest among the groups gnomAD compares: Middle Eastern, 0.066%; no homozygotes.

Submissions (3):

Labcorp Genetics (formerly Invitae), Labcorp
Classification: Likely benign. Last evaluated: 2026-01-19. Review status: criteria provided, single submitter. Criteria: Invitae Variant Classification Sherloc (09022015). Collection method: clinical testing. Allele origin: germline.

Illumina Laboratory Services, Illumina
Classification: Uncertain significance for Autosomal recessive congenital ichthyosis 3. Last evaluated: 2018-01-13. Review status: criteria provided, single submitter. Criteria: ICSL Variant Classification Criteria 13 December 2019. Collection method: clinical testing. Allele origin: germline.

PreventionGenetics, part of Exact Sciences
Classification: Likely benign for ALOXE3-related condition. Last evaluated: 2020-03-03. Review status: no assertion criteria provided. Collection method: clinical testing. Allele origin: germline. Not counted in ClinVar's aggregate classification.
Comment: This variant is classified as likely benign based on ACMG/AMP sequence variant interpretation guidelines (Richards et al. 2015 PMID: 25741868, with internal and published modifications).

NM_021628.3(ALOXE3):c.1706C>A (p.Thr569Asn)

Gene: ALOXE3 (arachidonate epidermal lipoxygenase 3; minus strand). Cytogenetic location: 17p13.1.
Variant type: single nucleotide variant.
Coding change: c.1706C>A on transcript NM_021628.3 (MANE Select); coding-DNA position 1706, C replaced by A.
Protein change: p.Thr569Asn; replaces threonine 569 with asparagine.
Molecular consequence: missense variant.
Genome position (GRCh38, 1-based): chr17:8,104,194, G>T on the plus strand (C>A on the coding strand, the complement: ALOXE3 is on the minus strand). VCF-style: chr17-8104194-G-T. GRCh37 (hg19) VCF-style: chr17-8007512-G-T.
Other names: c.2102C>A, p.Thr701Asn (NM_001165960.1); c.1703C>A, p.Thr568Asn (NM_001369446.1); short protein forms T701N, T569N, T568N.
Identifiers: ClinVar variation 325962 (VCV000325962.8), dbSNP rs142136672, ClinGen allele CA8367970.